The following is an entry in ClinVar:

ClinVar aggregate classification (germline): Uncertain significance (1 of 4 stars; one submission).

Allele frequency attached by ClinVar (database versions not stated): TOPMed below 0.00001; gnomAD 0.00001.
gnomAD v4.1: 3 of 1,209,787 alleles (0.00025%); highest among the groups gnomAD compares: African/African-American, 0.0017%; no homozygotes.

Submission:

GeneDx
Classification: Uncertain significance. Last evaluated: 2023-12-08. Review status: criteria provided, single submitter. Criteria: GeneDx Variant Classification Process June 2021. Collection method: clinical testing. Allele origin: germline. Affected: yes.
Comment: In silico analysis supports that this missense variant does not alter protein structure/function; Has not been previously published as pathogenic or benign to our knowledge

NM_001368397.1(FRMPD4):c.3460G>A (p.Val1154Met)

Gene: FRMPD4 (FERM and PDZ domain containing 4; plus strand). Cytogenetic location: Xp22.2.
Variant type: single nucleotide variant.
Coding change: c.3460G>A on transcript NM_001368397.1 (MANE Select); coding-DNA position 3460, G replaced by A.
Protein change: p.Val1154Met; replaces valine 1154 with methionine.
Molecular consequence: missense variant.
Genome position (GRCh38, 1-based): chrX:12,718,286, G>A. VCF-style: chrX-12718286-G-A. GRCh37 (hg19) VCF-style: chrX-12736405-G-A.
Other names: c.3571G>A, p.Val1191Met (NM_001368395.3, NM_001368398.3); c.3466G>A, p.Val1156Met (NM_001368396.3); c.3451G>A, p.Val1151Met (NM_001368399.3); c.3340G>A, p.Val1114Met (NM_001368400.3); c.3436G>A, p.Val1146Met (NM_001368401.1, NM_001368402.3); c.3460G>A, p.Val1154Met (NM_014728.3); short protein forms V1114M, V1146M, V1151M, V1154M, V1156M, V1191M.
Identifiers: ClinVar variation 3252567 (VCV003252567.1), dbSNP rs1295037514.